The following is an entry in ClinVar:

NM_000484.4(APP):c.1963+8A>C

Gene: APP (amyloid beta precursor protein; minus strand). Cytogenetic location: 21q21.3.
Variant type: single nucleotide variant.
Coding change: c.1963+8A>C on transcript NM_000484.4 (MANE Select); 8 bases into the intron after coding-DNA position 1963, A replaced by C.
Molecular consequence: intron variant.
Genome position (GRCh38, 1-based): chr21:25,905,016, T>G on the plus strand (A>C on the coding strand, the complement: APP is on the minus strand). VCF-style: chr21-25905016-T-G. GRCh37 (hg19) VCF-style: chr21-27277328-T-G.
Other names: c.1633+8A>C (NM_001136131.3); c.1570+8A>C (NM_001136129.3); c.1795+8A>C (NM_001136130.3, NM_001385253.1); c.1684+6725A>C (NM_001204303.2); c.1738+8A>C (NM_201414.3); c.1852+6725A>C (NM_001204302.2); c.1906+8A>C (NM_201413.3); c.1909+6725A>C (NM_001204301.2); and 1 more.
Identifiers: ClinVar variation 3036130 (VCV003036130.2), dbSNP rs2517062578, ClinGen allele CA2577467115.
Genomic context (GRCh38, chr21:25,905,016, plus strand): 5'-AAGGAGACAACGTCTGCTCGAGCTTAGGCCCAAGATGCGGAGAGGCACAAGTCAAGCGGT[T>G]CTGATACCTGGTCGAGTGGTCAGTCCTCGGTCGGCAGCAGGGCGGGCATCAACAGGCTCA-3'

ClinVar aggregate classification (germline): Likely benign (0 of 4 stars; one submission).

Conditions:
APP-related disorder. Also called: APP-related condition.

Submission:

PreventionGenetics, part of Exact Sciences
Classification: Likely benign for APP-related condition. Last evaluated: 2023-05-08. Review status: no assertion criteria provided. Collection method: clinical testing. Allele origin: germline.
Comment: This variant is classified as likely benign based on ACMG/AMP sequence variant interpretation guidelines (Richards et al. 2015 PMID: 25741868, with internal and published modifications).